The following is an entry in ClinVar:

ClinVar aggregate classification (germline): Uncertain significance. Review status: criteria provided, multiple submitters, no conflicts (2 of 4 stars). 2 submissions from 2 submitters: Uncertain significance (2). Last evaluated 2024-11-07.

Conditions:
Hereditary cancer-predisposing syndrome. Also called: Tumor predisposition; Neoplastic Syndromes, Hereditary; Hereditary Cancer Syndrome; Hereditary neoplastic syndrome. Identifiers: Orphanet 140162, MedGen C0027672, MeSH D009386, MONDO:0015356.

gnomAD v4.1: 3 of 1,612,334 alleles (0.00019%); highest among the groups gnomAD compares: South Asian, 0.0022%; no homozygotes.

Submissions (2):

Ambry Genetics
Classification: Uncertain significance for Hereditary cancer-predisposing syndrome. Last evaluated: 2024-11-07. Review status: criteria provided, single submitter. Criteria: Ambry Variant Classification Scheme 2023. Collection method: clinical testing. Allele origin: germline.
Comment: The c.670+2T>C intronic variant results from a T to C substitution two nucleotides after coding exon 8 (also known as exon 10 in some literature) of the BRCA1 gene. This alteration is located at the canonical splice donor site which is skipped in one of the natural in-frame minor isoforms (known in the literature as BRCA1 delta 9-10) (Colombo M et al. Hum Mol Genet. 2014; 23:3666-80). This nucleotide position is highly conserved in available vertebrate species. In silico splice site analysis predicts that this alteration will weaken the native splice donor site. Alterations that disrupt the canonical splice site are expected to cause aberrant splicing, resulting in an abnormal protein or a transcript that is subject to nonsense-mediated mRNA decay; however, +2T>C alterations are capable of generating wild-type transcripts in some genomic contexts and should be interpreted with caution (Lin JH et al. Hum Mutat. 2019 10;40:1856-1873). In addition, in BRCA1, the pathogenicity of alterations at canonical splice sites of exons that are skipped in the naturally occurring delta 9-10 in-frame minor isoform have yet to be determined, as they may be partially functional (de la Hoya M et al. Hum. Mol. Genet. April 2016). As such, the clinical significance of this alteration remains unclear.

Quest Diagnostics Nichols Institute San Juan Capistrano
Classification: Uncertain significance. Last evaluated: 2024-11-05. Review status: criteria provided, single submitter. Criteria: Quest Diagnostics criteria. Collection method: clinical testing. Allele origin: unknown.
Comment: The BRCA1 c.670+2T>C variant disrupts a canonical splice-donor site and is predicted to interfere with normal BRCA1 mRNA splicing. This variant disrupts a canonical splice-donor site and is predicted to interfere with proper splicing of exon 9 (c.594_670, also known as exon 10 in legacy nomenclature) in the BRCA1 gene. However, naturally occurring BRCA1 alternatively spliced isoforms lacking this exon have been reported (PMID: 24569164 (2014)), and such isoform may retain BRCA1 tumor suppression function (PMID: 27008870 (2016)).This variant has not been reported in individuals with BRCA1-related conditions in the published literature. This variant has not been reported in large, multi-ethnic general populations (Genome Aggregation Database). Based on the available information, we are unable to determine the clinical significance of this variant.

Literature cited by the submitters: PubMed 24569164 (cited by Ambry Genetics and Quest Diagnostics Nichols Institute San Juan Capistrano); PubMed 27008870 (cited by Ambry Genetics and Quest Diagnostics Nichols Institute San Juan Capistrano).

NM_007294.4(BRCA1):c.670+2T>C

Gene: BRCA1 (BRCA1 DNA repair associated; minus strand). Cytogenetic location: 17q21.31.
Variant type: single nucleotide variant.
Coding change: c.670+2T>C on transcript NM_007294.4 (MANE Select); the canonical splice donor site of the intron after coding-DNA position 670, T replaced by C.
Molecular consequence: splice donor variant. On other transcripts: intron variant (115).
Genome position (GRCh38, 1-based): chr17:43,095,844, A>G on the plus strand (T>C on the coding strand, the complement: BRCA1 is on the minus strand). VCF-style: chr17-43095844-A-G. GRCh37 (hg19) VCF-style: chr17-41247861-A-G.
Other names: c.407-984T>C (NM_001407923.1, NM_001407922.1, NM_001408498.1 and 15 more transcripts); c.529+2T>C (NM_001407739.1, NM_001407727.1, NM_001407725.1 and 43 more transcripts); c.457+2T>C (NM_001407896.1, NM_001407898.1, NM_001408491.1 and 12 more transcripts); c.460+2T>C (NM_001407900.1, NM_001407885.1, NM_001407886.1 and 27 more transcripts); c.338-984T>C (NM_001407952.1, NM_001407957.1, NM_001407953.1 and 7 more transcripts); c.526+2T>C (NM_001407841.1, NM_001407747.1, NM_001408470.1 and 26 more transcripts); c.670+2T>C (NM_001408422.1, NM_001407980.1, NM_001407993.1 and 58 more transcripts); c.-218-984T>C (NM_001407967.1, NM_001407966.1); and 17 more.
Identifiers: ClinVar variation 3481785 (VCV003481785.2).